The following is an entry in ClinVar:

ClinVar aggregate classification (germline): Uncertain significance. Review status: criteria provided, multiple submitters, no conflicts (2 of 4 stars). 5 submissions from 5 submitters: Uncertain significance (5). Last evaluated 2025-06-03.

Conditions:
Mitochondrial complex 2 deficiency, nuclear type 3. Also called: MITOCHONDRIAL COMPLEX II DEFICIENCY, NUCLEAR TYPE 3. Identifiers: MedGen C5436934, MONDO:0030937, OMIM 619167.
Pheochromocytoma. Also called: MAX-Related Hereditary Paraganglioma-Pheochromocytoma Syndrome. Identifiers: Orphanet 29072, MedGen C0031511, MONDO:0008233, OMIM 171300, HP:0002666.
Carney-Stratakis syndrome. Also called: PARAGANGLIOMA AND GASTROINTESTINAL STROMAL TUMOR. Identifiers: Orphanet 97286, MedGen C1847319, MONDO:0011740, OMIM 606864.
Paragangliomas with sensorineural hearing loss. Identifiers: MedGen C1868633.
Cowden syndrome 3 (CWS3). Identifiers: Orphanet 201, MedGen CN166604, MONDO:0014045.
Pheochromocytoma/paraganglioma syndrome 1. Also called: Paragangliomas 1; Glomus tumors familial 1; PARAGANGLIOMAS, FAMILIAL NONCHROMAFFIN, 1; PGL 1; Paragangliomas familial 1; Paraganglioma - glomus jugulare. Identifiers: Orphanet 29072, MedGen C3494181, MONDO:0008192, OMIM 168000.
Hereditary cancer-predisposing syndrome. Also called: Hereditary Cancer Syndrome; Neoplastic Syndromes, Hereditary; Hereditary neoplastic syndrome; Tumor predisposition. Identifiers: Orphanet 140162, MedGen C0027672, MeSH D009386, MONDO:0015356.

Allele frequency attached by ClinVar (database versions not stated): gnomAD exomes below 0.00001.
gnomAD v4.1: 2 of 1,612,236 alleles (0.00012%); highest among the groups gnomAD compares: Non-Finnish European, 0.00017%; no homozygotes.

Submissions (5):

GeneDx
Classification: Uncertain significance. Last evaluated: 2025-06-03. Review status: criteria provided, single submitter. Criteria: GeneDx Variant Classification Process June 2021. Collection method: clinical testing. Allele origin: germline. Affected: yes.
Comment: Not observed at significant frequency in large population cohorts (gnomAD); In silico analysis supports that this missense variant has a deleterious effect on protein structure/function; Has not been previously published as pathogenic or benign to our knowledge

Labcorp Genetics (formerly Invitae), Labcorp
Classification: Uncertain significance for Carney-Stratakis syndrome; Paragangliomas with sensorineural hearing loss; Pheochromocytoma; Cowden syndrome 3. Last evaluated: 2024-01-12. Review status: criteria provided, single submitter. Criteria: Invitae Variant Classification Sherloc (09022015). Collection method: clinical testing. Allele origin: germline.
Comment: This sequence change replaces serine, which is neutral and polar, with proline, which is neutral and non-polar, at codon 59 of the SDHD protein (p.Ser59Pro). This variant is not present in population databases (gnomAD no frequency). This variant has not been reported in the literature in individuals affected with SDHD-related conditions. ClinVar contains an entry for this variant (Variation ID: 820002). Advanced modeling of protein sequence and biophysical properties (such as structural, functional, and spatial information, amino acid conservation, physicochemical variation, residue mobility, and thermodynamic stability) has been performed at Invitae for this missense variant, however the output from this modeling did not meet the statistical confidence thresholds required to predict the impact of this variant on SDHD protein function. In summary, the available evidence is currently insufficient to determine the role of this variant in disease. Therefore, it has been classified as a Variant of Uncertain Significance.

Ambry Genetics
Classification: Uncertain significance for Hereditary cancer-predisposing syndrome. Last evaluated: 2024-01-11. Review status: criteria provided, single submitter. Criteria: Ambry Variant Classification Scheme 2023. Collection method: clinical testing. Allele origin: germline.
Comment: The p.S59P variant (also known as c.175T>C), located in coding exon 3 of the SDHD gene, results from a T to C substitution at nucleotide position 175. The serine at codon 59 is replaced by proline, an amino acid with similar properties. This amino acid position is highly conserved in available vertebrate species. In addition, this alteration is predicted to be deleterious by in silico analysis. Since supporting evidence is limited at this time, the clinical significance of this alteration remains unclear.

Baylor Genetics
Classification: Uncertain significance for Mitochondrial complex 2 deficiency, nuclear type 3. Last evaluated: 2024-01-04. Review status: criteria provided, single submitter. Criteria: ACMG Guidelines, 2015. Collection method: clinical testing. Allele origin: unknown.

Fulgent Genetics
Classification: Uncertain significance for Pheochromocytoma/paraganglioma syndrome 1; Pheochromocytoma; Carney-Stratakis syndrome; Mitochondrial complex 2 deficiency, nuclear type 3. Last evaluated: 2022-04-23. Review status: criteria provided, single submitter. Criteria: ACMG Guidelines, 2015. Collection method: clinical testing. Allele origin: unknown.

NM_003002.4(SDHD):c.175T>C (p.Ser59Pro)

Gene: SDHD (succinate dehydrogenase complex subunit D; plus strand). Cytogenetic location: 11q23.1.
Variant type: single nucleotide variant.
Coding change: c.175T>C on transcript NM_003002.4 (MANE Select); coding-DNA position 175, T replaced by C.
Protein change: p.Ser59Pro; replaces serine 59 with proline.
Molecular consequence: missense variant. On other transcripts: non-coding transcript variant (1), intron variant (1).
Genome position (GRCh38, 1-based): chr11:112,088,872, T>C. VCF-style: chr11-112088872-T-C. GRCh37 (hg19) VCF-style: chr11-111959596-T-C.
Other names: c.58T>C, p.Ser20Pro (NM_001276504.2); c.175T>C, p.Ser59Pro (NM_001276506.2); c.169+899T>C (NM_001276503.2); short protein forms S20P, S59P.
Identifiers: ClinVar variation 820002 (VCV000820002.14), dbSNP rs1592780294, ClinGen allele CA382617160.
Genomic context (GRCh38, chr11:112,088,872, plus strand): 5'-CATGAAAGATGTGTGTTTCTCACATCAACTTTTATGAATCTGGTCCTTTTTGTAGCTGGC[T>C]CCAAGGCTGCATCTCTCCACTGGACTAGCGAGAGGGTTGTCAGTGTTTTGCTCCTGGGTC-3'
Protein context (NP_002993.1, residues 49-69): IHLSPSHHSG[Ser59Pro]KAASLHWTSE